The following is an entry in ClinVar:

ClinVar aggregate classification (germline): Likely benign (1 of 4 stars; one submission).

Allele frequency attached by ClinVar (database versions not stated): TOPMed 0.00006; gnomAD 0.00024; gnomAD exomes 0.00060; ExAC 0.00119; 1000 Genomes Project 30x 0.00141; 1000 Genomes Project 0.00160.
gnomAD v4.1: 920 of 1,613,290 alleles (0.057%); highest among the groups gnomAD compares: South Asian, 0.91%; 9 homozygotes.

Submission:

CeGaT Center for Human Genetics Tuebingen
Classification: Likely benign. Last evaluated: 2023-09-01. Review status: criteria provided, single submitter. Criteria: CeGaT Center For Human Genetics Tuebingen Variant Classification Criteria Version 2. Collection method: clinical testing. Allele origin: germline. Affected: yes. Observed: 1 variant allele.
Comment: DNM3: BS1

NM_015569.5(DNM3):c.956C>A (p.Pro319Gln)

Gene: DNM3 (dynamin 3; plus strand). Cytogenetic location: 1q24.3.
Variant type: single nucleotide variant.
Coding change: c.956C>A on transcript NM_015569.5 (MANE Select); coding-DNA position 956, C replaced by A.
Protein change: p.Pro319Gln; replaces proline 319 with glutamine.
Molecular consequence: missense variant. On other transcripts: non-coding transcript variant (1).
Genome position (GRCh38, 1-based): chr1:172,038,425, C>A. VCF-style: chr1-172038425-C-A. GRCh37 (hg19) VCF-style: chr1-172007565-C-A.
Other names: c.956C>A, p.Pro319Gln (NM_001136127.3, NM_001278252.2, NM_001350204.2 and 2 more transcripts); short protein forms P319Q.
Identifiers: ClinVar variation 2639558 (VCV002639558.24), dbSNP rs552393073, ClinGen allele CA1245303.
Genomic context (GRCh38, chr1:172,038,425, plus strand): 5'-AACTACAGGGACAGTTGCTCTCCATAGAACATGAAGTAGAAGCCTACAAAAATTTCAAAC[C>A]AGAAGACCCAACAAGGAAGACCAAAGCATTGCTGCAGTAGGTCACCTTTCCCTTCCTTGG-3'
Protein context (NP_056384.2, residues 309-329): HEVEAYKNFK[Pro319Gln]EDPTRKTKAL